The following is an entry in ClinVar:

ClinVar aggregate classification (germline): Uncertain significance (1 of 4 stars; one submission).

Conditions:
Cardiovascular phenotype. Identifiers: MedGen CN230736.

Submission:

Ambry Genetics
Classification: Uncertain significance for Cardiovascular phenotype. Last evaluated: 2026-07-09. Review status: criteria provided, single submitter. Criteria: Ambry Variant Classification Scheme 2023. Collection method: clinical testing. Allele origin: germline.
Comment: The p.P846S variant (also known as c.2536C>T), located in coding exon 8 of the HCN4 gene, results from a C to T substitution at nucleotide position 2536. The proline at codon 846 is replaced by serine, an amino acid with similar properties. This amino acid position is conserved. In addition, this alteration is predicted to be tolerated by in silico analysis. Based on the available evidence, the clinical significance of this variant remains unclear.

NM_005477.3(HCN4):c.2536C>T (p.Pro846Ser)

Gene: HCN4 (hyperpolarization activated cyclic nucleotide gated potassium channel 4; minus strand). Cytogenetic location: 15q24.1.
Variant type: single nucleotide variant.
Coding change: c.2536C>T on transcript NM_005477.3 (MANE Select); coding-DNA position 2536, C replaced by T.
Protein change: p.Pro846Ser; replaces proline 846 with serine.
Molecular consequence: missense variant.
Genome position (GRCh38, 1-based): chr15:73,323,557, G>A on the plus strand (C>T on the coding strand, the complement: HCN4 is on the minus strand). VCF-style: chr15-73323557-G-A. GRCh37 (hg19) VCF-style: chr15-73615898-G-A.
Other names: short protein forms P846S.
Identifiers: ClinVar variation 5022620 (VCV005022620.1).